The following is an entry in ClinVar:

ClinVar aggregate classification (germline): Pathogenic/Likely pathogenic. Review status: criteria provided, multiple submitters, no conflicts (2 of 4 stars). 6 submissions from 6 submitters: Pathogenic (3); Likely pathogenic (3). Last evaluated 2026-06-19.

Conditions:
ATP8B1-related disorder. Also called: ATP8B1-related condition; ATP8B1-related disorders.
Progressive familial intrahepatic cholestasis type 1. Also called: Byler's disease; BYLER DISEASE; Severe ATP8B1 Deficiency (Progressive Familial Intrahepatic Cholestasis Type 1 [PFIC1]). Identifiers: Orphanet 79306, MedGen C4551898, MONDO:0008892, OMIM 211600.
Benign recurrent intrahepatic cholestasis type 1. Also called: SUMMERSKILL SYNDROME; Mild-to-Moderate ATP8B1 Deficiency (Benign Recurrent Intrahepatic Cholestasis 1 [BRIC1]). Identifiers: Orphanet 65682, Orphanet 99960, MedGen C4551899, MONDO:0009469, OMIM 243300.
Cholestasis, intrahepatic, of pregnancy, 1 (ICP1). Also called: CHOLESTASIS, PREGNANCY-RELATED, 1. Identifiers: Orphanet 69665, MedGen C3549845, MONDO:0007829, OMIM 147480.
Familial intrahepatic cholestasis. Identifiers: Orphanet 284385, MedGen CN296401, MONDO:0017290.
Progressive familial intrahepatic cholestasis (PFIC). Also called: Progressive family intrahepatic cholestasis; Progressive intrahepatic cholestasis. Identifiers: Orphanet 172, MedGen C0268312, MONDO:0015762.

Submissions (6):

PreventionGenetics, part of Exact Sciences
Classification: Pathogenic for ATP8B1-related condition. Last evaluated: 2026-06-19. Review status: criteria provided, single submitter. Criteria: ACMG Guidelines, 2015. Collection method: clinical testing. Allele origin: germline.
Comment: The ATP8B1 c.1587_1589delCTT variant is predicted to result in an in-frame deletion (p.Phe529del). This variant has been reported as causative for progressive familial intrahepatic cholestasis, in both the homozygous and compound heterozygous states (Egawa et al. 2002. PubMed ID: 12149765; Table S4, Dröge et al. 2017. PubMed ID: 28733223; Sharma et al. 2018. PubMed ID: 29973134; Table S1, van Wessel et al. 2021. PubMed ID: 33666275; Wang et al. 2016. PubMed ID: 27050426; Chen et al. 2004. PubMed ID: 14988830; Klomp et al. 2004. PubMed ID: 15239083). Functional studies utilizing lymphoblastoid cell lines indicate the p.Phe529del variant resulted in decreased or complete absence of protein expression and reduced mRNA levels compared to wildtype (Chen et al. 2004. PubMed ID: 14988830; Hasegawa et al. 2014. PubMed ID: 25022842).This variant is reported in 0.0054% of alleles in individuals of East Asian descent in gnomAD, and is interpreted as likely pathogenic/pathogenic in the ClinVar database (Variation ID: 918158). This variant is interpreted as pathogenic for autosomal recessive and uncertain for autosomal dominant ATP8B1-related disease.

Genomenon, Inc
Classification: Pathogenic for Familial intrahepatic cholestasis. Last evaluated: 2026-04-14. Review status: criteria provided, single submitter. Criteria: Genomenon Sequence Variant Interpretation Standards - Updated. Collection method: curation. Allele origin: germline. Affected: yes.
Comment: ATP8B1 p.Phe529del (c.1587_1589del) is a deletion variant that results in the in-frame deletion of Phenylalanine at residue 529. This variant has been observed in at least one proband with features of ATP8B1-deficiency (PMID:39015910;33437900;33215027;29973134;29654655;12149765;28733223;15239083;20232290;26382629;27050426;25022842). The variant was found to segregate with disease in at least one affected family (PMID:20232290). It has been observed in trans with a pathogenic or likely pathogenic variant (PMID:33215027;20232290;26382629). Functional studies have been reported (PMID:29104077). It is absent or not present at a significant frequency in gnomAD. In conclusion, we classify ATP8B1 p.Phe529del (c.1587_1589del) as a pathogenic variant.

Labcorp Genetics (formerly Invitae), Labcorp
Classification: Likely pathogenic. Last evaluated: 2024-04-17. Review status: criteria provided, single submitter. Criteria: Invitae Variant Classification Sherloc (09022015). Collection method: clinical testing. Allele origin: germline.
Comment: This variant, c.1587_1589del, results in the deletion of 1 amino acid(s) of the ATP8B1 protein (p.Phe529del), but otherwise preserves the integrity of the reading frame. This variant is present in population databases (rs756395915, gnomAD 0.006%). This variant has been observed in individuals with progressive familial intrahepatic cholestasis (PMID: 12149765, 15239083, 27050426, 28733223, 29973134, 33666275). ClinVar contains an entry for this variant (Variation ID: 918158). In summary, the currently available evidence indicates that the variant is pathogenic, but additional data are needed to prove that conclusively. Therefore, this variant has been classified as Likely Pathogenic.

Fulgent Genetics
Classification: Likely pathogenic for Cholestasis, intrahepatic, of pregnancy, 1; Progressive familial intrahepatic cholestasis type 1; Benign recurrent intrahepatic cholestasis type 1. Last evaluated: 2024-03-26. Review status: criteria provided, single submitter. Criteria: ACMG Guidelines, 2015. Collection method: clinical testing. Allele origin: germline.

Baylor Genetics
Classification: Likely pathogenic for Benign recurrent intrahepatic cholestasis type 1. Last evaluated: 2023-11-23. Review status: criteria provided, single submitter. Criteria: ACMG Guidelines, 2015. Collection method: clinical testing. Allele origin: unknown.

Women's Health and Genetics/Laboratory Corporation of America, LabCorp
Classification: Pathogenic for Progressive familial intrahepatic cholestasis. Last evaluated: 2020-03-09. Review status: criteria provided, single submitter. Criteria: LabCorp Variant Classification Summary - May 2015. Collection method: clinical testing. Allele origin: germline.
Comment: Variant summary: ATP8B1 c.1587_1589delCTT (p.Phe529del) results in an in-frame deletion that is predicted to remove one amino acid from the encoded protein. The variant allele was found at a frequency of 1.2e-05 in 251402 control chromosomes (gnomAD). c.1587_1589delCTT has been reported in the literature in homozygous- and compound heterozygous state in multiple individuals affected with Familial Intrahepatic Cholestasis (e.g. Chen_2004, Egawa_2002, Sharma_2018, Klomp_2004). These data indicate that the variant is very likely to be associated with disease. Patient derived biopsy samples demonstrated very low expression levels or complete absence of the mRNA or protein (Chen_2004, Hasegawa_2014). No clinical diagnostic laboratories have submitted clinical-significance assessments for this variant to ClinVar after 2014. Based on the evidence outlined above, the variant was classified as pathogenic.

Literature cited by the submitters: PubMed 39015910 (cited by Genomenon, Inc); PubMed 33437900 (cited by Genomenon, Inc); PubMed 33215027 (cited by Genomenon, Inc); PubMed 29973134 (cited by 3 submitters); PubMed 29654655 (cited by Genomenon, Inc); PubMed 12149765 (cited by 3 submitters); PubMed 28733223 (cited by Genomenon, Inc and Labcorp Genetics (formerly Invitae), Labcorp); PubMed 15239083 (cited by 3 submitters); PubMed 20232290 (cited by Genomenon, Inc); PubMed 26382629 (cited by Genomenon, Inc); PubMed 27050426 (cited by Genomenon, Inc and Labcorp Genetics (formerly Invitae), Labcorp); PubMed 25022842 (cited by Genomenon, Inc and Women's Health and Genetics/Laboratory Corporation of America, LabCorp); PubMed 29104077 (cited by Genomenon, Inc); PubMed 33666275 (cited by Labcorp Genetics (formerly Invitae), Labcorp); PubMed 14988830 (cited by Women's Health and Genetics/Laboratory Corporation of America, LabCorp).

NM_001374385.1(ATP8B1):c.1581CTT[2] (p.Phe529del)

Gene: ATP8B1 (ATPase phospholipid transporting 8B1; minus strand). Cytogenetic location: 18q21.31.
Variant type: Microsatellite.
Coding change: c.1581CTT[2] on transcript NM_001374385.1 (MANE Select); two copies in a row of the 3-base unit CTT starting at c.1581; the reference has three copies in a row; one copy, 3 bases deleted.
Protein change: p.Phe529del; deletes phenylalanine 529.
Molecular consequence: inframe deletion.
Genome position (GRCh38, 1-based): chr18:57,684,077-57,684,079, AAG deleted on the plus strand (CTT on the coding strand, the reverse complement: ATP8B1 is on the minus strand); deleting any 3 consecutive bases within chr18:57,684,077-57,684,087 gives the same sequence; the position shown is the placement nearest the transcript's 3' end. VCF-style (leftmost placement, unchanged base first): chr18-57684076-CAAG-C. GRCh37 (hg19) VCF-style: chr18-55351308-CAAG-C.
Other names: c.1587_1589del (NM_005603.6); c.1431CTT[2], p.Phe479del (NM_001374386.1); c.1581CTT[2], p.Phe529del (NM_005603.6); short protein forms F479del, F529del.
Identifiers: ClinVar variation 918158 (VCV000918158.9), dbSNP rs756395915, ClinGen allele CA8974526.